The following is an entry in ClinVar:

NM_001130173.2(MYB):c.307-6C>T

Gene: MYB (MYB proto-oncogene, transcription factor; plus strand). Cytogenetic location: 6q23.3.
Variant type: single nucleotide variant.
Coding change: c.307-6C>T on transcript NM_001130173.2 (MANE Select); 6 bases into the intron before coding-DNA position 307, C replaced by T.
Molecular consequence: intron variant.
Genome position (GRCh38, 1-based): chr6:135,190,121, C>T. VCF-style: chr6-135190121-C-T. GRCh37 (hg19) VCF-style: chr6-135511259-C-T.
Other names: c.307-6C>T (NM_005375.4, NM_001161659.2, NM_001161658.2 and 4 more transcripts).
Identifiers: ClinVar variation 3777866 (VCV003777866.7).
Genomic context (GRCh38, chr6:135,190,121, plus strand): 5'-AGAATGATTATACTGACTCATTACATAACTTTAAAACATAGGTTATTTTTGTGTGTTTAT[C>T]TGAAGGTGATAGAGCTTGTACAGAAATACGGTCCGAAACGTTGGTCTGTTATTGCCAAGC-3'

ClinVar aggregate classification (germline): Likely benign (1 of 4 stars; one submission).

gnomAD v4.1: 4,337 of 1,612,964 alleles (0.27%); highest among the groups gnomAD compares: Admixed American, 0.33%; 13 homozygotes.

Submission:

CeGaT Center for Human Genetics Tuebingen
Classification: Likely benign. Last evaluated: 2025-03-01. Review status: criteria provided, single submitter. Criteria: CeGaT Center For Human Genetics Tuebingen Variant Classification Criteria Version 2. Collection method: clinical testing. Allele origin: germline. Affected: yes. Observed: 1 variant allele.
Comment: MYB: BP4, BS2